The following is an entry in ClinVar:

ClinVar aggregate classification (germline): Uncertain significance (1 of 4 stars; one submission).

Conditions:
Bethlem myopathy 1A. Also called: MYOPATHY, BENIGN CONGENITAL, WITH CONTRACTURES; Bethlem myopathy 1; Bethlem Muscular Dystrophy. Identifiers: Orphanet 610, MedGen CN029274, MONDO:0024530, OMIM 158810.

Submission:

Labcorp Genetics (formerly Invitae), Labcorp
Classification: Uncertain significance for Bethlem myopathy 1A. Last evaluated: 2024-07-23. Review status: criteria provided, single submitter. Criteria: Invitae Variant Classification Sherloc (09022015). Collection method: clinical testing. Allele origin: germline.
Comment: This sequence change falls in intron 30 of the COL6A1 gene. It does not directly change the encoded amino acid sequence of the COL6A1 protein. It affects a nucleotide within the consensus splice site. This variant is not present in population databases (gnomAD no frequency). This variant has not been reported in the literature in individuals affected with COL6A1-related conditions. Variants that disrupt the consensus splice site are a relatively common cause of aberrant splicing (PMID: 17576681, 9536098). Algorithms developed to predict the effect of sequence changes on RNA splicing suggest that this variant is not likely to affect RNA splicing. In summary, the available evidence is currently insufficient to determine the role of this variant in disease. Therefore, it has been classified as a Variant of Uncertain Significance.

Literature cited by the submitters: PubMed 17576681; PubMed 9536098.

NM_001848.3(COL6A1):c.1956+5G>T

Gene: COL6A1 (collagen type VI alpha 1 chain; plus strand). Cytogenetic location: 21q22.3.
Variant type: single nucleotide variant.
Coding change: c.1956+5G>T on transcript NM_001848.3 (MANE Select); 5 bases into the intron after coding-DNA position 1956, G replaced by T.
Molecular consequence: intron variant.
Genome position (GRCh38, 1-based): chr21:46,001,391, G>T. VCF-style: chr21-46001391-G-T. GRCh37 (hg19) VCF-style: chr21-47421305-G-T.
Identifiers: ClinVar variation 3682158 (VCV003682158.2).